The following is an entry in ClinVar:

ClinVar aggregate classification (germline): Conflicting classifications of pathogenicity. Review status: criteria provided, conflicting classifications (1 of 4 stars). 3 submissions from 3 submitters: Uncertain significance (2); Likely benign (1). Last evaluated 2023-03-23.

Conditions:
Hereditary breast ovarian cancer syndrome. Also called: BRCA1- and BRCA2-Associated Hereditary Breast and Ovarian Cancer; Hereditary breast and ovarian cancer; Hereditary breast and ovarian cancer syndrome; Breast and ovarian cancer; Hereditary breast and/or ovarian cancer syndrome; Hereditary breast and ovarian cancer syndrome (HBOC). Identifiers: Orphanet 145, MedGen C0677776, MeSH D061325, MONDO:0003582. Disease mechanism: loss of function.
Hereditary cancer-predisposing syndrome. Also called: Tumor predisposition; Hereditary neoplastic syndrome; Neoplastic Syndromes, Hereditary; Hereditary Cancer Syndrome. Identifiers: Orphanet 140162, MedGen C0027672, MeSH D009386, MONDO:0015356.

Submissions (3):

University of Washington Department of Laboratory Medicine, University of Washington
Classification: Likely benign for Hereditary cancer-predisposing syndrome. Last evaluated: 2023-03-23. Review status: criteria provided, single submitter. Criteria: Dines et al. (Genet Med. 2020). Collection method: curation. Allele origin: germline.
Comment: Missense variant in a coldspot region where missense variants are very unlikely to be pathogenic (PMID:31911673).

BRCA2 exon 11 coldspot. Reclassification based on statistical prior probability.

Labcorp Genetics (formerly Invitae), Labcorp
Classification: Uncertain significance for Hereditary breast ovarian cancer syndrome. Last evaluated: 2022-03-01. Review status: criteria provided, single submitter. Criteria: Invitae Variant Classification Sherloc (09022015). Collection method: clinical testing. Allele origin: germline.
Comment: Advanced modeling of protein sequence and biophysical properties (such as structural, functional, and spatial information, amino acid conservation, physicochemical variation, residue mobility, and thermodynamic stability) performed at Invitae indicates that this missense variant is not expected to disrupt BRCA2 protein function. ClinVar contains an entry for this variant (Variation ID: 1009557). This variant has not been reported in the literature in individuals affected with BRCA2-related conditions. This variant is not present in population databases (gnomAD no frequency). This sequence change replaces asparagine, which is neutral and polar, with lysine, which is basic and polar, at codon 991 of the BRCA2 protein (p.Asn991Lys). In summary, the available evidence is currently insufficient to determine the role of this variant in disease. Therefore, it has been classified as a Variant of Uncertain Significance.

Ambry Genetics
Classification: Uncertain significance for Hereditary cancer-predisposing syndrome. Last evaluated: 2021-01-22. Review status: criteria provided, single submitter. Criteria: Ambry Variant Classification Scheme 2023. Collection method: clinical testing. Allele origin: germline.
Comment: The p.N991K variant (also known as c.2973C>G), located in coding exon 10 of the BRCA2 gene, results from a C to G substitution at nucleotide position 2973. The asparagine at codon 991 is replaced by lysine, an amino acid with similar properties. This amino acid position is poorly conserved in available vertebrate species. In addition, this alteration is predicted to be tolerated by in silico analysis. Since supporting evidence is limited at this time, the clinical significance of this alteration remains unclear.

NM_000059.4(BRCA2):c.2973C>G (p.Asn991Lys)

Gene: BRCA2 (BRCA2 DNA repair associated; plus strand). Cytogenetic location: 13q13.1.
Variant type: single nucleotide variant.
Coding change: c.2973C>G on transcript NM_000059.4 (MANE Select); coding-DNA position 2973, C replaced by G.
Protein change: p.Asn991Lys; replaces asparagine 991 with lysine.
Molecular consequence: missense variant.
Genome position (GRCh38, 1-based): chr13:32,337,328, C>G. VCF-style: chr13-32337328-C-G. GRCh37 (hg19) VCF-style: chr13-32911465-C-G.
Other names: short protein forms N991K.
Identifiers: ClinVar variation 1009557 (VCV001009557.12), dbSNP rs2072469477, ClinGen allele CA387774534.
Genomic context (GRCh38, chr13:32,337,328, plus strand): 5'-AAAATCGGACATCTCCTTGAATATAGATAAAATACCAGAAAAAAATAATGATTACATGAA[C>G]AAATGGGCAGGACTCTTAGGTCCAATTTCAAATCACAGTTTTGGAGGTAGCTTCAGAACA-3'
Protein context (NP_000050.3, residues 981-1001): KIPEKNNDYM[Asn991Lys]KWAGLLGPIS